The following is an entry in ClinVar:

ClinVar aggregate classification (germline): Likely pathogenic (1 of 4 stars; one submission).

Conditions:
Marfan syndrome (MFS). Also called: MARFAN SYNDROME, TYPE I; Marfan syndrome type 1; Marfan's syndrome; Marfan syndrome, classic; FBN1-Related Marfan Syndrome. Identifiers: Orphanet 284963, Orphanet 558, MedGen C0024796, MONDO:0007947, OMIM 154700.

Submission:

Clinical Genetics Laboratory, Skane University Hospital Lund
Classification: Likely pathogenic for Marfan syndrome. Last evaluated: 2026-08-21. Review status: criteria provided, single submitter. Criteria: ACMG Guidelines, 2015. Collection method: clinical testing. Allele origin: germline. Affected: yes.
Comment: ClinGen FBN1 Expert Panel Specifications to the ACMG/AMP Variant Interpretation Guidelines Version 1.0: PM1, PM2_Supporting, PM5, PP2, PP3

NM_000138.5(FBN1):c.1621T>C (p.Cys541Arg)

Gene: FBN1 (fibrillin 1; minus strand). Cytogenetic location: 15q21.1.
Variant type: single nucleotide variant.
Coding change: c.1621T>C on transcript NM_000138.5 (MANE Select); coding-DNA position 1621, T replaced by C.
Protein change: p.Cys541Arg; replaces cysteine 541 with arginine.
Molecular consequence: missense variant.
Genome position (GRCh38, 1-based): chr15:48,510,137, A>G on the plus strand (T>C on the coding strand, the complement: FBN1 is on the minus strand). VCF-style: chr15-48510137-A-G. GRCh37 (hg19) VCF-style: chr15-48802334-A-G.
Other names: c.1621T>C, p.Cys541Arg (NM_001406716.1); short protein forms C541R.
Identifiers: ClinVar variation 5010276 (VCV005010276.1).